The following is an entry in ClinVar:

NM_022124.6(CDH23):c.5501C>T (p.Thr1834Ile)

Gene: CDH23 (cadherin related 23; plus strand). Cytogenetic location: 10q22.1.
Variant type: single nucleotide variant.
Coding change: c.5501C>T on transcript NM_022124.6 (MANE Select); coding-DNA position 5501, C replaced by T.
Protein change: p.Thr1834Ile; replaces threonine 1834 with isoleucine.
Molecular consequence: missense variant.
Genome position (GRCh38, 1-based): chr10:71,784,419, C>T. VCF-style: chr10-71784419-C-T. GRCh37 (hg19) VCF-style: chr10-73544176-C-T.
Other names: c.5501C>T (NM_022124.5); short protein forms T1834I.
Identifiers: ClinVar variation 1469239 (VCV001469239.4), dbSNP rs1407492273, ClinGen allele CA377145539.
Genomic context (GRCh38, chr10:71,784,419, plus strand): 5'-TCGCCTTCTACAACCTGACCATCTGTGCCCGTGACCGGGGGATGCCCCCACTCAGCTCCA[C>T]AGTGAGTCTGGGGGCCCCACCCGCTGGCTTCACCTCGCTGCCCCTGTACTTGCCACAGAG-3'
Protein context (NP_071407.4, residues 1824-1844): RDRGMPPLSS[Thr1834Ile]MLVGIRVLDI

ClinVar aggregate classification (germline): Uncertain significance. Review status: criteria provided, multiple submitters, no conflicts (2 of 4 stars). 2 submissions from 2 submitters: Uncertain significance (2). Last evaluated 2024-09-27.

Conditions:
Inborn genetic diseases. Identifiers: MedGen C0950123, MeSH D030342.

Submissions (2):

Ambry Genetics
Classification: Uncertain significance for Inborn genetic diseases. Last evaluated: 2024-09-27. Review status: criteria provided, single submitter. Criteria: Ambry Variant Classification Scheme 2023. Collection method: clinical testing. Allele origin: germline.

Labcorp Genetics (formerly Invitae), Labcorp
Classification: Uncertain significance. Last evaluated: 2021-11-19. Review status: criteria provided, single submitter. Criteria: Invitae Variant Classification Sherloc (09022015). Collection method: clinical testing. Allele origin: germline.
Comment: This sequence change replaces threonine, which is neutral and polar, with isoleucine, which is neutral and non-polar, at codon 1834 of the CDH23 protein (p.Thr1834Ile). This variant is not present in population databases (gnomAD no frequency). This variant has not been reported in the literature in individuals affected with CDH23-related conditions. Algorithms developed to predict the effect of missense changes on protein structure and function are either unavailable or do not agree on the potential impact of this missense change (SIFT: "Deleterious"; PolyPhen-2: "Not Available"; Align-GVGD: "Class C0"). Algorithms developed to predict the effect of sequence changes on RNA splicing suggest that this variant may disrupt the consensus splice site. In summary, the available evidence is currently insufficient to determine the role of this variant in disease. Therefore, it has been classified as a Variant of Uncertain Significance.